The following is an entry in ClinVar:

NM_005477.3(HCN4):c.2804C>T (p.Ser935Phe)

Gene: HCN4 (hyperpolarization activated cyclic nucleotide gated potassium channel 4; minus strand). Cytogenetic location: 15q24.1.
Variant type: single nucleotide variant.
Coding change: c.2804C>T on transcript NM_005477.3 (MANE Select); coding-DNA position 2804, C replaced by T.
Protein change: p.Ser935Phe; replaces serine 935 with phenylalanine.
Molecular consequence: missense variant.
Genome position (GRCh38, 1-based): chr15:73,323,289, G>A on the plus strand (C>T on the coding strand, the complement: HCN4 is on the minus strand). VCF-style: chr15-73323289-G-A. GRCh37 (hg19) VCF-style: chr15-73615630-G-A.
Other names: p.S935F:TCC>TTC; short protein forms S935F.
Identifiers: ClinVar variation 190784 (VCV000190784.24), dbSNP rs775803239, ClinGen allele CA301966.

ClinVar aggregate classification (germline): Conflicting classifications of pathogenicity. Review status: criteria provided, conflicting classifications (1 of 4 stars). 8 submissions from 8 submitters: Uncertain significance (3); Likely benign (5). Last evaluated 2026-01-13.

Conditions:
HCN4-related disorder. Also called: HCN4-related condition.
Cardiovascular phenotype. Identifiers: MedGen CN230736.
Brugada syndrome 8 (BRGDA8). Identifiers: Orphanet 130, MedGen C2751083, MONDO:0013148, OMIM 613123.

gnomAD v4.1: 114 of 1,538,984 alleles (0.0074%); highest among the groups gnomAD compares: Admixed American, 0.18%; 1 homozygote.

Submissions (8):

Labcorp Genetics (formerly Invitae), Labcorp
Classification: Likely benign for Brugada syndrome 8. Last evaluated: 2026-01-13. Review status: criteria provided, single submitter. Criteria: Invitae Variant Classification Sherloc (09022015). Collection method: clinical testing. Allele origin: germline.

Women's Health and Genetics/Laboratory Corporation of America, LabCorp
Classification: Likely benign. Last evaluated: 2024-11-26. Review status: criteria provided, single submitter. Criteria: LabCorp Variant Classification Summary - May 2015. Collection method: clinical testing. Allele origin: germline.

PreventionGenetics, part of Exact Sciences
Classification: Likely benign for HCN4-related condition. Last evaluated: 2024-11-03. Review status: criteria provided, single submitter. Criteria: ACMG Guidelines, 2015. Collection method: clinical testing. Allele origin: germline.
Comment: This variant is classified as likely benign based on ACMG/AMP sequence variant interpretation guidelines (Richards et al. 2015 PMID: 25741868, with internal and published modifications).

Ambry Genetics
Classification: Likely benign for Cardiovascular phenotype. Last evaluated: 2022-01-20. Review status: criteria provided, single submitter. Criteria: Ambry Variant Classification Scheme 2023. Collection method: clinical testing. Allele origin: germline.

GeneDx
Classification: Likely benign. Last evaluated: 2020-12-15. Review status: criteria provided, single submitter. Criteria: GeneDx Variant Classification Process June 2021. Collection method: clinical testing. Allele origin: germline. Affected: yes.

Mendelics
Classification: Uncertain significance for Brugada syndrome 8. Last evaluated: 2019-05-28. Review status: criteria provided, single submitter. Criteria: Mendelics Assertion Criteria 2017. Collection method: clinical testing. Allele origin: unknown.

Eurofins Ntd Llc (ga)
Classification: Uncertain significance. Last evaluated: 2016-06-10. Review status: criteria provided, single submitter. Criteria: EGL Classification Definitions 2015. Collection method: clinical testing. Allele origin: germline. Observed: 2 variant alleles, 2 heterozygotes.

Stanford Center for Inherited Cardiovascular Disease, Stanford University
Classification: Uncertain significance. Last evaluated: 2014-07-30. Review status: criteria provided, single submitter. Criteria: ACMG Guidelines, 2015. Collection method: provider interpretation. Allele origin: germline.

Literature cited by the submitters: PubMed 30578647 (cited by Ambry Genetics).